The following is an entry in ClinVar:

ClinVar aggregate classification (germline): Pathogenic/Likely pathogenic. Review status: criteria provided, multiple submitters, no conflicts (2 of 4 stars). 2 submissions from 2 submitters: Pathogenic (1); Likely pathogenic (1). Last evaluated 2025-06-27.

Submissions (2):

GeneDx
Classification: Likely pathogenic. Last evaluated: 2025-06-27. Review status: criteria provided, single submitter. Criteria: GeneDx Variant Classification Process June 2021. Collection method: clinical testing. Allele origin: germline. Affected: yes.
Comment: Nonsense variant predicted to result in protein truncation or nonsense mediated decay in a gene for which loss of function is a known mechanism of disease; Not observed at significant frequency in large population cohorts (gnomAD); Has not been previously published as pathogenic or benign to our knowledge

Labcorp Genetics (formerly Invitae), Labcorp
Classification: Pathogenic. Last evaluated: 2025-01-01. Review status: criteria provided, single submitter. Criteria: Invitae Variant Classification Sherloc (09022015). Collection method: clinical testing. Allele origin: germline.
Comment: This sequence change creates a premature translational stop signal (p.Ser1371*) in the FLNB gene. It is expected to result in an absent or disrupted protein product. Loss-of-function variants in FLNB are known to be pathogenic (PMID: 14991055). This variant is not present in population databases (gnomAD no frequency). This variant has not been reported in the literature in individuals affected with FLNB-related conditions. For these reasons, this variant has been classified as Pathogenic.

Literature cited by the submitters: PubMed 14991055 (cited by Labcorp Genetics (formerly Invitae), Labcorp).

NM_001457.4(FLNB):c.4112C>A (p.Ser1371Ter)

Gene: FLNB (filamin B; plus strand). Cytogenetic location: 3p14.3.
Variant type: single nucleotide variant.
Coding change: c.4112C>A on transcript NM_001457.4 (MANE Select); coding-DNA position 4112, C replaced by A.
Protein change: p.Ser1371Ter; replaces serine 1371 with a stop codon.
Molecular consequence: nonsense.
Genome position (GRCh38, 1-based): chr3:58,126,652, C>A. VCF-style: chr3-58126652-C-A. GRCh37 (hg19) VCF-style: chr3-58112379-C-A.
Other names: c.4112C>A (NM_001457.3); c.4112C>A, p.Ser1371Ter (NM_001164317.2, NM_001164318.2, NM_001164319.2); short protein forms S1371*.
Identifiers: ClinVar variation 3678262 (VCV003678262.3).